The following is an entry in ClinVar:

ClinVar aggregate classification (germline): Likely benign. Review status: criteria provided, multiple submitters, no conflicts (2 of 4 stars). 2 submissions from 2 submitters: Likely benign (2). Last evaluated 2023-07-25.

Conditions:
Early-infantile DEE. Also called: Ohtahara syndrome; Early infantile epileptic encephalopathy with suppression bursts; Early infantile epileptic encephalopathy. Identifiers: Orphanet 1934, MedGen C0393706, MONDO:0800491.

Allele frequency attached by ClinVar (database versions not stated): gnomAD exomes below 0.00001; gnomAD 0.00001; TOPMed 0.00001.
gnomAD v4.1: 4 of 1,613,302 alleles (0.00025%); highest among the groups gnomAD compares: South Asian, 0.0011%; no homozygotes.

Submissions (2):

Labcorp Genetics (formerly Invitae), Labcorp
Classification: Likely benign for Early-infantile DEE. Last evaluated: 2023-07-25. Review status: criteria provided, single submitter. Criteria: Invitae Variant Classification Sherloc (09022015). Collection method: clinical testing. Allele origin: germline.

GeneDx
Classification: Likely benign. Last evaluated: 2015-10-27. Review status: criteria provided, single submitter. Criteria: GeneDx Variant Classification (06012015). Collection method: clinical testing. Allele origin: germline. Affected: yes.
Comment: This variant is considered likely benign or benign based on one or more of the following criteria: it is a conservative change, it occurs at a poorly conserved position in the protein, it is predicted to be benign by multiple in silico algorithms, and/or has population frequency not consistent with disease.

NM_001330260.2(SCN8A):c.1135-13T>C

Gene: SCN8A (sodium voltage-gated channel alpha subunit 8; plus strand). Cytogenetic location: 12q13.13.
Variant type: single nucleotide variant.
Coding change: c.1135-13T>C on transcript NM_001330260.2 (MANE Select); 13 bases into the intron before coding-DNA position 1135, T replaced by C.
Molecular consequence: intron variant.
Genome position (GRCh38, 1-based): chr12:51,705,404, T>C. VCF-style: chr12-51705404-T-C. GRCh37 (hg19) VCF-style: chr12-52099188-T-C.
Other names: c.1135-13T>C (NM_014191.4, NM_001177984.3, NM_001369788.1).
Identifiers: ClinVar variation 378558 (VCV000378558.4), dbSNP rs1057520363, ClinGen allele CA16606638.